The following is an entry in ClinVar:

ClinVar aggregate classification (germline): Uncertain significance (1 of 4 stars; one submission).

Conditions:
Dyskeratosis congenita, autosomal dominant 2. Identifiers: MedGen C3151443, MONDO:0013521, OMIM 613989.
Idiopathic Pulmonary Fibrosis. Also called: Idiopathic fibrosing alveolitis, chronic form; idiopathic fibrosing alveolitis. Identifiers: Orphanet 2032, MedGen C1800706, MeSH D054990, MONDO:0800504.

Submission:

Labcorp Genetics (formerly Invitae), Labcorp
Classification: Uncertain significance for Dyskeratosis congenita, autosomal dominant 2; Idiopathic Pulmonary Fibrosis. Last evaluated: 2024-03-29. Review status: criteria provided, single submitter. Criteria: Invitae Variant Classification Sherloc (09022015). Collection method: clinical testing. Allele origin: germline.
Comment: This sequence change replaces asparagine, which is neutral and polar, with lysine, which is basic and polar, at codon 1051 of the TERT protein (p.Asn1051Lys). This variant is not present in population databases (gnomAD no frequency). This variant has not been reported in the literature in individuals affected with TERT-related conditions. Advanced modeling of protein sequence and biophysical properties (such as structural, functional, and spatial information, amino acid conservation, physicochemical variation, residue mobility, and thermodynamic stability) performed at Invitae indicates that this missense variant is expected to disrupt TERT protein function with a positive predictive value of 80%. In summary, the available evidence is currently insufficient to determine the role of this variant in disease. Therefore, it has been classified as a Variant of Uncertain Significance.

NM_198253.3(TERT):c.3153C>A (p.Asn1051Lys)

Gene: TERT (telomerase reverse transcriptase; minus strand). Cytogenetic location: 5p15.33.
Variant type: single nucleotide variant.
Coding change: c.3153C>A on transcript NM_198253.3 (MANE Select); coding-DNA position 3153, C replaced by A.
Protein change: p.Asn1051Lys; replaces asparagine 1051 with lysine.
Molecular consequence: missense variant. On other transcripts: non-coding transcript variant (2).
Genome position (GRCh38, 1-based): chr5:1,255,291, G>T on the plus strand (C>A on the coding strand, the complement: TERT is on the minus strand). VCF-style: chr5-1255291-G-T. GRCh37 (hg19) VCF-style: chr5-1255406-G-T.
Other names: c.2964C>A, p.Asn988Lys (NM_001193376.3); c.3153C>A, p.Asn1051Lys (NM_003219.1); short protein forms N1051K, N988K.
Identifiers: ClinVar variation 2922153 (VCV002922153.3), dbSNP rs771025266, ClinGen allele CA359068001.